The following is an entry in ClinVar:

ClinVar aggregate classification (germline): Uncertain significance (1 of 4 stars; one submission).

Conditions:
Early-infantile DEE. Also called: Early infantile epileptic encephalopathy; Early infantile epileptic encephalopathy with suppression bursts; Ohtahara syndrome. Identifiers: Orphanet 1934, MedGen C0393706, MONDO:0800491.

Allele frequency attached by ClinVar (database versions not stated): TOPMed below 0.00001.

Submission:

Labcorp Genetics (formerly Invitae), Labcorp
Classification: Uncertain significance for Early-infantile DEE. Last evaluated: 2021-11-22. Review status: criteria provided, single submitter. Criteria: Invitae Variant Classification Sherloc (09022015). Collection method: clinical testing. Allele origin: germline.
Comment: This sequence change replaces serine, which is neutral and polar, with threonine, which is neutral and polar, at codon 493 of the SCN1A protein (p.Ser493Thr). This variant is not present in population databases (gnomAD no frequency). This variant has not been reported in the literature in individuals affected with SCN1A-related conditions. Algorithms developed to predict the effect of missense changes on protein structure and function are either unavailable or do not agree on the potential impact of this missense change (SIFT: "Deleterious"; PolyPhen-2: "Benign"; Align-GVGD: "Class C55"). In summary, the available evidence is currently insufficient to determine the role of this variant in disease. Therefore, it has been classified as a Variant of Uncertain Significance.

NM_001165963.4(SCN1A):c.1478G>C (p.Ser493Thr)

Gene: SCN1A (sodium voltage-gated channel alpha subunit 1; minus strand). Cytogenetic location: 2q24.3.
Variant type: single nucleotide variant.
Coding change: c.1478G>C on transcript NM_001165963.4 (MANE Select); coding-DNA position 1478, G replaced by C.
Protein change: p.Ser493Thr; replaces serine 493 with threonine.
Molecular consequence: missense variant. On other transcripts: 5 prime UTR variant (1), non-coding transcript variant (1).
Genome position (GRCh38, 1-based): chr2:166,045,227, C>G on the plus strand (G>C on the coding strand, the complement: SCN1A is on the minus strand). VCF-style: chr2-166045227-C-G. GRCh37 (hg19) VCF-style: chr2-166901737-C-G.
Other names: c.1478G>C, p.Ser493Thr (NM_001165964.3, NM_001202435.3, NM_001353948.2 and 7 more transcripts); c.1475G>C, p.Ser492Thr (NM_001353954.2, NM_001353955.2, NM_001353960.2); c.-948G>C (NM_001353961.2); short protein forms S493T, S492T.
Identifiers: ClinVar variation 1496870 (VCV001496870.7), dbSNP rs1697671710, ClinGen allele CA349069664.